The following is an entry in ClinVar:

ClinVar aggregate classification (germline): Uncertain significance. Review status: criteria provided, multiple submitters, no conflicts (2 of 4 stars). 3 submissions from 3 submitters: Uncertain significance (3). Last evaluated 2025-09-10.

Conditions:
PLEC-related disorder. Also called: PLEC-related disorders; PLEC-related condition.
Epidermolysis bullosa simplex 5B, with muscular dystrophy (EBS5B). Also called: Epidermolysis bullosa simplex with muscular dystrophy; EPIDERMOLYSIS BULLOSA SIMPLEX AND LIMB-GIRDLE MUSCULAR DYSTROPHY. Identifiers: Orphanet 257, MedGen C2931072, MONDO:0009181, OMIM 226670.
Epidermolysis bullosa simplex with nail dystrophy (EBS5D). Identifiers: MedGen C4225309, MONDO:0014661, OMIM 616487.
Epidermolysis bullosa simplex 5C, with pyloric atresia (EBS5C). Also called: PLEC-Related Epidermolysis Bullosa with Pyloric Atresia; Epidermolysis bullosa simplex with pyloric atresia; PLEC1-Related Epidermolysis Bullosa with Pyloric Atresia. Identifiers: Orphanet 158684, MedGen C2677349, MONDO:0012807, OMIM 612138.
Epidermolysis bullosa simplex, Ogna type (EBS5A). Also called: Pidermolysis bullosa simplex 5A, Ogna type; EPIDERMOLYSIS BULLOSA SIMPLEX 5A, OGNA TYPE. Identifiers: Orphanet 79401, MedGen C0432317, MONDO:0007555, OMIM 131950.
Autosomal recessive limb-girdle muscular dystrophy type 2Q (LGMDR17). Also called: MUSCULAR DYSTROPHY, LIMB-GIRDLE, AUTOSOMAL RECESSIVE 17. Identifiers: Orphanet 254361, MedGen C3150989, MONDO:0013390, OMIM 613723.
Inborn genetic diseases. Identifiers: MedGen C0950123, MeSH D030342.

Allele frequency attached by ClinVar (database versions not stated): TOPMed 0.00001.
gnomAD v4.1: 18 of 1,589,426 alleles (0.0011%); highest among the groups gnomAD compares: African/African-American, 0.004%; no homozygotes.

Submissions (3):

Labcorp Genetics (formerly Invitae), Labcorp
Classification: Uncertain significance for Autosomal recessive limb-girdle muscular dystrophy type 2Q; Epidermolysis bullosa simplex, Ogna type; Epidermolysis bullosa simplex with nail dystrophy; Epidermolysis bullosa simplex 5C, with pyloric atresia; Epidermolysis bullosa simplex 5B, with muscular dystrophy. Last evaluated: 2025-09-10. Review status: criteria provided, single submitter. Criteria: Invitae Variant Classification Sherloc (09022015). Collection method: clinical testing. Allele origin: germline.
Comment: This sequence change replaces arginine, which is basic and polar, with histidine, which is basic and polar, at codon 512 of the PLEC protein (p.Arg512His). The frequency data for this variant in the population databases is considered unreliable, as metrics indicate poor data quality at this position in the gnomAD database. This variant has not been reported in the literature in individuals affected with PLEC-related conditions. ClinVar contains an entry for this variant (Variation ID: 1015985). Experimental studies and prediction algorithms are not available or were not evaluated, and the functional significance of this variant is currently unknown. In summary, the available evidence is currently insufficient to determine the role of this variant in disease. Therefore, it has been classified as a Variant of Uncertain Significance.

PreventionGenetics, part of Exact Sciences
Classification: Uncertain significance for PLEC-related condition. Last evaluated: 2024-11-17. Review status: criteria provided, single submitter. Criteria: ACMG Guidelines, 2015. Collection method: clinical testing. Allele origin: germline.
Comment: The PLEC c.1535G>A variant is predicted to result in the amino acid substitution p.Arg512His. To our knowledge, this variant has not been reported in the literature. This variant is reported in 0.015% of alleles in individuals of African descent in gnomAD. At this time, the clinical significance of this variant is uncertain due to the absence of conclusive functional and genetic evidence.

Ambry Genetics
Classification: Uncertain significance for Inborn genetic diseases. Last evaluated: 2024-04-15. Review status: criteria provided, single submitter. Criteria: Ambry Variant Classification Scheme 2023. Collection method: clinical testing. Allele origin: germline.

NM_201384.3(PLEC):c.1454G>A (p.Arg485His)

Gene: PLEC (plectin; minus strand). Cytogenetic location: 8q24.3.
Variant type: single nucleotide variant.
Coding change: c.1454G>A on transcript NM_201384.3 (MANE Select); coding-DNA position 1454, G replaced by A.
Protein change: p.Arg485His; replaces arginine 485 with histidine.
Molecular consequence: missense variant.
Genome position (GRCh38, 1-based): chr8:143,933,076, C>T on the plus strand (G>A on the coding strand, the complement: PLEC is on the minus strand). VCF-style: chr8-143933076-C-T. GRCh37 (hg19) VCF-style: chr8-145007244-C-T.
Other names: c.1535G>A (NM_000445.3, NM_000445.4); c.1535G>A, p.Arg512His (NM_000445.5); c.1412G>A, p.Arg471His (NM_201378.4); c.1388G>A, p.Arg463His (NM_201379.3); c.1865G>A, p.Arg622His (NM_201380.4); c.1358G>A, p.Arg453His (NM_201381.3); c.1454G>A, p.Arg485His (NM_201382.4); c.1466G>A, p.Arg489His (NM_201383.3); short protein forms R453H, R463H, R471H, R485H, R489H, R512H, R622H.
Identifiers: ClinVar variation 1015985 (VCV001015985.7), dbSNP rs200328762, ClinGen allele CA4927948.